The following is an entry in ClinVar:

NM_000169.3(GLA):c.623T>G (p.Met208Arg)

Genes: GLA (galactosidase alpha; minus strand), RPL36A-HNRNPH2 (RPL36A-HNRNPH2 readthrough; plus strand). Cytogenetic location: Xq22.1.
Variant type: single nucleotide variant.
Coding change: c.623T>G on transcript NM_000169.3 (MANE Select); coding-DNA position 623, T replaced by G.
Protein change: p.Met208Arg; replaces methionine 208 with arginine.
Molecular consequence: missense variant. On other transcripts: non-coding transcript variant (2), intron variant (2).
Genome position (GRCh38, 1-based): chrX:101,400,682, A>C on the plus strand (T>G on the coding strand, the complement: GLA is on the minus strand). VCF-style: chrX-101400682-A-C. GRCh37 (hg19) VCF-style: chrX-100655670-A-C.
Other names: c.746T>G, p.Met249Arg (NM_001406747.1); c.623T>G, p.Met208Arg (NM_001406748.1); c.300+5225A>C (NM_001199973.2); c.177+8860A>C (NM_001199974.2); short protein forms M208R, M249R.
Identifiers: ClinVar variation 4087440 (VCV004087440.2).
Genomic context (GRCh38, chrX:101,400,682, plus strand): 5'-ATCTATCAGTACAGTTCTATTGGATTCTGGGCTCACTATCTCACCTTTTGAAAGGGCCAC[A>C]TATAAAGAGGCCACTCACAGGAGTACACAATGCTTCTGCCAGTCCTATTCAGGGCCAAGG-3'
Protein context (NP_000160.1, residues 198-218): IVYSCEWPLY[Met208Arg]WPFQKPNYTE

ClinVar aggregate classification (germline): Uncertain significance (1 of 4 stars; one submission).

Conditions:
Fabry disease. Also called: ALPHA-GALACTOSIDASE A DEFICIENCY; ANDERSON-FABRY DISEASE; CERAMIDE TRIHEXOSIDASE DEFICIENCY; GLA DEFICIENCY; HEREDITARY DYSTOPIC LIPIDOSIS; Angiokeratoma corporis diffusum. Identifiers: Orphanet 324, MedGen C0002986, MONDO:0010526, OMIM 301500, HP:0001071. Disease mechanism: Fabry disease is due to inactivating mutations in the X-linked GLA gene resulting in deficiency of the enzyme Alpha Galactosidase-A., loss of function.

Submission:

Genomenon, Inc
Classification: Uncertain significance for Fabry disease. Last evaluated: 2026-09-08. Review status: criteria provided, single submitter. Criteria: Genomenon Sequence Variant Interpretation Standards - Updated. Collection method: curation. Allele origin: germline. Affected: yes.
Comment: GLA p.Met208Arg (c.623T>G) is a missense variant that changes the amino acid at codon 208 from Methionine to Arginine. This variant has been observed in at least one proband with clinical features consistent with Fabry disease (PMID:34282462). The variant was found to segregate with disease in at least one affected family (PMID:34282462). Functional or patient cell studies have been reported (PMID:34282462). It is absent or not present at a significant frequency in gnomAD. In conclusion, we classify GLA p.Met208Arg (c.623T>G) as a variant of uncertain significance.

Literature cited by the submitters: PubMed 34282462.